The following is an entry in ClinVar:

ClinVar aggregate classification (germline): Uncertain significance. Review status: criteria provided, multiple submitters, no conflicts (2 of 4 stars). 2 submissions from 2 submitters: Uncertain significance (2). Last evaluated 2025-10-24.

gnomAD v4.1: 7 of 1,211,753 alleles (0.00058%); highest among the groups gnomAD compares: East Asian, 0.018%; no homozygotes.

Submissions (2):

Ambry Genetics
Classification: Uncertain significance. Last evaluated: 2025-10-24. Review status: criteria provided, single submitter. Criteria: Ambry Variant Classification Scheme 2023. Collection method: clinical testing. Allele origin: germline.

Labcorp Genetics (formerly Invitae), Labcorp
Classification: Uncertain significance. Last evaluated: 2025-07-23. Review status: criteria provided, single submitter. Criteria: Invitae Variant Classification Sherloc (09022015). Collection method: clinical testing. Allele origin: germline.
Comment: This sequence change replaces asparagine, which is neutral and polar, with serine, which is neutral and polar, at codon 630 of the DRP2 protein (p.Asn630Ser). This variant is present in population databases (rs749316443, gnomAD 0.03%). This variant has not been reported in the literature in individuals affected with DRP2-related conditions. Invitae Evidence Modeling of protein sequence and biophysical properties (such as structural, functional, and spatial information, amino acid conservation, physicochemical variation, residue mobility, and thermodynamic stability) has been performed for this missense variant. However, the output from this modeling did not meet the statistical confidence thresholds required to predict the impact of this variant on DRP2 protein function. In summary, the available evidence is currently insufficient to determine the role of this variant in disease. Therefore, it has been classified as a Variant of Uncertain Significance.

NM_001939.3(DRP2):c.1889A>G (p.Asn630Ser)

Gene: DRP2 (dystrophin related protein 2; plus strand). Cytogenetic location: Xq22.1.
Variant type: single nucleotide variant.
Coding change: c.1889A>G on transcript NM_001939.3 (MANE Select); coding-DNA position 1889, A replaced by G.
Protein change: p.Asn630Ser; replaces asparagine 630 with serine.
Molecular consequence: missense variant.
Genome position (GRCh38, 1-based): chrX:101,252,628, A>G. VCF-style: chrX-101252628-A-G. GRCh37 (hg19) VCF-style: chrX-100507617-A-G.
Other names: c.1655A>G, p.Asn552Ser (NM_001171184.2); short protein forms N552S, N630S.
Identifiers: ClinVar variation 4662195 (VCV004662195.2).
Genomic context (GRCh38, chrX:101,252,628, plus strand): 5'-TGGACTCTCTTTCCTACTACATCTCCTCTCCCCCAAGGTACCGGAGTCTGAAGCAATTCA[A>G]CGTTGACATCTGCCAGACCTGCTTCTTGACAGGCAGGGCCAGCAAAGGCAATAAGCTGCA-3'
Protein context (NP_001930.2, residues 620-640): GFRYRSLKQF[Asn630Ser]VDICQTCFLT